The following is an entry in ClinVar:

NM_005566.4(LDHA):c.-24-10C>G

Gene: LDHA (lactate dehydrogenase A; plus strand). Cytogenetic location: 11p15.1.
Variant type: single nucleotide variant.
Coding change: c.-24-10C>G on transcript NM_005566.4 (MANE Select); 10 bases into the intron before 24 bases upstream of the start codon, C replaced by G.
Molecular consequence: intron variant.
Genome position (GRCh38, 1-based): chr11:18,396,809, C>G. VCF-style: chr11-18396809-C-G. GRCh37 (hg19) VCF-style: chr11-18418356-C-G.
Other names: c.-24-10C>G (NM_001165416.2, NM_001135239.2, NM_001165415.2); c.64-10C>G (NM_001165414.2, NM_001165414.1).
Identifiers: ClinVar variation 879473 (VCV000879473.8), dbSNP rs200267888, ClinGen allele CA5911158.

ClinVar aggregate classification (germline): Likely benign. Review status: criteria provided, multiple submitters, no conflicts (2 of 4 stars). 4 submissions from 4 submitters: Likely benign (3). 1 of the submissions does not count toward it. Last evaluated 2024-11-05.

Conditions:
Glycogen storage disease due to lactate dehydrogenase M-subunit deficiency (GSD11). Also called: Glycogen storage disease XI; GSD XI; LACTATE DEHYDROGENASE A DEFICIENCY. Identifiers: Orphanet 284426, MedGen C2931743, MONDO:0013047, OMIM 612933.
LDHA-related disorder. Also called: LDHA-related condition.

Allele frequency attached by ClinVar (database versions not stated): gnomAD 0.00002 and 0.00015; TOPMed 0.00006; gnomAD exomes 0.00043 and 0.00073; 1000 Genomes Project 30x 0.00062; 1000 Genomes Project 0.00080; ExAC 0.00085.
gnomAD v4.1: 634 of 1,585,082 alleles (0.04%); highest among the groups gnomAD compares: South Asian, 0.65%; 9 homozygotes.

Submissions (4):

Blueprint Genetics
Classification: Likely benign. Last evaluated: 2024-11-05. Review status: criteria provided, single submitter. Criteria: ACMG Guidelines, 2015. Collection method: clinical testing. Allele origin: germline.

Fulgent Genetics
Classification: Likely benign for Glycogen storage disease due to lactate dehydrogenase M-subunit deficiency. Last evaluated: 2021-12-02. Review status: criteria provided, single submitter. Criteria: ACMG Guidelines, 2015. Collection method: clinical testing. Allele origin: unknown.

Illumina Laboratory Services, Illumina
Classification: Likely benign for Glycogen storage disease due to lactate dehydrogenase M-subunit deficiency. Last evaluated: 2018-01-13. Review status: criteria provided, single submitter. Criteria: ICSL Variant Classification Criteria 13 December 2019. Collection method: clinical testing. Allele origin: germline.
Comment: This variant was observed in the ICSL laboratory as part of a predisposition screen in an ostensibly healthy population. It had not been previously curated by ICSL or reported in the Human Gene Mutation Database (HGMD: prior to June 1st, 2018), and was therefore a candidate for classification through an automated scoring system. Utilizing variant allele frequency, disease prevalence and penetrance estimates, and inheritance mode, an automated score was calculated to assess if this variant is too frequent to cause the disease. Based on the score and internal cut-off values, a variant classified as likely benign is not then subjected to further curation. The score for this variant resulted in a classification of likely benign for this disease.

PreventionGenetics, part of Exact Sciences
Classification: Likely benign for LDHA-related condition. Last evaluated: 2019-05-20. Review status: no assertion criteria provided. Collection method: clinical testing. Allele origin: germline. Not counted in ClinVar's aggregate classification.
Comment: This variant is classified as likely benign based on ACMG/AMP sequence variant interpretation guidelines (Richards et al. 2015 PMID: 25741868, with internal and published modifications).